The following is an entry in ClinVar:

NM_139125.4(MASP1):c.1322G>A (p.Arg441His)

Gene: MASP1 (MBL associated serine protease 1; minus strand). Cytogenetic location: 3q27.3.
Variant type: single nucleotide variant.
Coding change: c.1322G>A on transcript NM_139125.4 (MANE Select); coding-DNA position 1322, G replaced by A.
Protein change: p.Arg441His; replaces arginine 441 with histidine.
Molecular consequence: missense variant. On other transcripts: non-coding transcript variant (1), intron variant (1).
Genome position (GRCh38, 1-based): chr3:187,236,549, C>T on the plus strand (G>A on the coding strand, the complement: MASP1 is on the minus strand). VCF-style: chr3-187236549-C-T. GRCh37 (hg19) VCF-style: chr3-186954337-C-T.
Other names: c.1303+4932G>A (NM_001879.6); short protein forms R441H.
Identifiers: ClinVar variation 704781 (VCV000704781.12), dbSNP rs141872329, ClinGen allele CA2749281.

ClinVar aggregate classification (germline): Likely benign. Review status: criteria provided, multiple submitters, no conflicts (2 of 4 stars). 3 submissions from 3 submitters: Likely benign (2). 1 of the submissions does not count toward it. Last evaluated 2024-08-23.

Conditions:
3MC syndrome 1. Also called: MICHELS SYNDROME; CRANIOSYNOSTOSIS WITH LID ANOMALIES; OCULOPALATOSKELETAL SYNDROME. Identifiers: Orphanet 293843, MedGen C0796059, MONDO:0009770, OMIM 257920.
MASP1-related disorder. Also called: MASP1-related condition.

Allele frequency attached by ClinVar (database versions not stated): ExAC 0.00028; gnomAD exomes 0.00028; gnomAD 0.00095 and 0.00101; TOPMed 0.00101; 1000 Genomes Project 30x 0.00109; ESP Exome Variant Server 0.00115; 1000 Genomes Project 0.00120.
gnomAD v4.1: 335 of 1,613,794 alleles (0.021%); highest among the groups gnomAD compares: African/African-American, 0.37%; no homozygotes.

Submissions (3):

Labcorp Genetics (formerly Invitae), Labcorp
Classification: Likely benign for 3MC syndrome 1. Last evaluated: 2024-08-23. Review status: criteria provided, single submitter. Criteria: Invitae Variant Classification Sherloc (09022015). Collection method: clinical testing. Allele origin: germline.

GeneDx
Classification: Likely benign. Last evaluated: 2021-06-15. Review status: criteria provided, single submitter. Criteria: GeneDx Variant Classification Process June 2021. Collection method: clinical testing. Allele origin: germline. Affected: yes.
Comment: Identified in the renal biopsy from a patient with severe hypertension and renal microangiopathy; however, confirmation in the germline was not completed (Larsen et al., 2018); Identified by exome sequencing in an individual with multiple sclerosis, but did not segregate with disease in another affected family member (Vilarino-Guell et al., 2019); In silico analysis supports that this missense variant does not alter protein structure/function; This variant is associated with the following publications: (PMID: 29148534, 27535533, 31170158)

PreventionGenetics, part of Exact Sciences
Classification: Likely benign for MASP1-related condition. Last evaluated: 2023-10-18. Review status: no assertion criteria provided. Collection method: clinical testing. Allele origin: germline. Not counted in ClinVar's aggregate classification.
Comment: This variant is classified as likely benign based on ACMG/AMP sequence variant interpretation guidelines (Richards et al. 2015 PMID: 25741868, with internal and published modifications).